The following is an entry in ClinVar:

NM_002800.5(PSMB9):c.464A>G (p.Tyr155Cys)

Gene: PSMB9 (proteasome 20S subunit beta 9; plus strand). Cytogenetic location: 6p21.32.
Variant type: single nucleotide variant.
Coding change: c.464A>G on transcript NM_002800.5 (MANE Select); coding-DNA position 464, A replaced by G.
Protein change: p.Tyr155Cys; replaces tyrosine 155 with cysteine.
Molecular consequence: missense variant.
Genome position (GRCh38, 1-based): chr6:32,858,437, A>G. VCF-style: chr6-32858437-A-G. GRCh37 (hg19) VCF-style: chr6-32826214-A-G.
Other names: short protein forms Y155C.
Identifiers: ClinVar variation 4084208 (VCV004084208.8).

ClinVar aggregate classification (germline): Uncertain significance (1 of 4 stars; one submission).

Submission:

CeGaT Center for Human Genetics Tuebingen
Classification: Uncertain significance. Last evaluated: 2025-06-01. Review status: criteria provided, single submitter. Criteria: CeGaT Center For Human Genetics Tuebingen Variant Classification Criteria Version 2. Collection method: clinical testing. Allele origin: germline. Affected: yes. Observed: 1 variant allele.
Comment: PSMB9: PM2